The following is an entry in ClinVar:

NM_001363.5(DKC1):c.211C>T (p.Pro71Ser)

Gene: DKC1 (dyskerin pseudouridine synthase 1; plus strand). Cytogenetic location: Xq28.
Variant type: single nucleotide variant.
Coding change: c.211C>T on transcript NM_001363.5 (MANE Select); coding-DNA position 211, C replaced by T.
Protein change: p.Pro71Ser; replaces proline 71 with serine.
Molecular consequence: missense variant. On other transcripts: non-coding transcript variant (3).
Genome position (GRCh38, 1-based): chrX:154,765,946, C>T. VCF-style: chrX-154765946-C-T. GRCh37 (hg19) VCF-style: chrX-153994221-C-T.
Other names: c.211C>T, p.Pro71Ser (NM_001142463.3, NM_001288747.2); short protein forms P71S.
Identifiers: ClinVar variation 2802492 (VCV002802492.3), dbSNP rs2523680499, ClinGen allele CA414889395.
Genomic context (GRCh38, chrX:154,765,946, plus strand): 5'-TGTTGTGTCGTTGCTTTGTAGAATTTTGATAAGCTGAATGTAAGGACAACACACTATACA[C>T]CTCTTGCATGTGGTTCAAATCCTCTGAAGAGAGAGATTGGGGACTATATCAGGTAAGTGT-3'
Protein context (NP_001354.1, residues 61-81): KLNVRTTHYT[Pro71Ser]LACGSNPLKR

ClinVar aggregate classification (germline): Uncertain significance (1 of 4 stars; one submission).

Conditions:
Dyskeratosis congenita. Identifiers: Orphanet 1775, MedGen C0265965, MONDO:0015780.

Submission:

Labcorp Genetics (formerly Invitae), Labcorp
Classification: Uncertain significance for Dyskeratosis congenita. Last evaluated: 2023-05-07. Review status: criteria provided, single submitter. Criteria: Invitae Variant Classification Sherloc (09022015). Collection method: clinical testing. Allele origin: germline.
Comment: This sequence change replaces proline, which is neutral and non-polar, with serine, which is neutral and polar, at codon 71 of the DKC1 protein (p.Pro71Ser). This variant is not present in population databases (gnomAD no frequency). This variant has not been reported in the literature in individuals affected with DKC1-related conditions. Advanced modeling of protein sequence and biophysical properties (such as structural, functional, and spatial information, amino acid conservation, physicochemical variation, residue mobility, and thermodynamic stability) performed at Invitae indicates that this missense variant is expected to disrupt DKC1 protein function. In summary, the available evidence is currently insufficient to determine the role of this variant in disease. Therefore, it has been classified as a Variant of Uncertain Significance.